The following is an entry in ClinVar:

NM_001843.4(CNTN1):c.1110+8T>A

Gene: CNTN1 (contactin 1; plus strand). Cytogenetic location: 12q12.
Variant type: single nucleotide variant.
Coding change: c.1110+8T>A on transcript NM_001843.4 (MANE Select); 8 bases into the intron after coding-DNA position 1110, T replaced by A.
Molecular consequence: intron variant.
Genome position (GRCh38, 1-based): chr12:40,936,913, T>A. VCF-style: chr12-40936913-T-A. GRCh37 (hg19) VCF-style: chr12-41330715-T-A.
Other names: c.1110+8T>A (NM_001256063.2, NM_001256064.2); c.1077+8T>A (NM_175038.2).
Identifiers: ClinVar variation 2018811 (VCV002018811.4), dbSNP rs1485952597, ClinGen allele CA688802559.

ClinVar aggregate classification (germline): Uncertain significance (1 of 4 stars; one submission).

Conditions:
Compton-North congenital myopathy (CMYO12). Identifiers: Orphanet 210163, MedGen C2675527, MONDO:0012929, OMIM 612540.

Allele frequency attached by ClinVar (database versions not stated): gnomAD 0.00001.
gnomAD v4.1: 12 of 1,612,546 alleles (0.00074%); highest among the groups gnomAD compares: African/African-American, 0.0013%; no homozygotes.

Submission:

Labcorp Genetics (formerly Invitae), Labcorp
Classification: Uncertain significance for Compton-North congenital myopathy. Last evaluated: 2022-07-22. Review status: criteria provided, single submitter. Criteria: Invitae Variant Classification Sherloc (09022015). Collection method: clinical testing. Allele origin: germline.
Comment: In summary, the available evidence is currently insufficient to determine the role of this variant in disease. Therefore, it has been classified as a Variant of Uncertain Significance. Algorithms developed to predict the effect of sequence changes on RNA splicing suggest that this variant may create or strengthen a splice site. This variant has not been reported in the literature in individuals affected with CNTN1-related conditions. This variant is not present in population databases (gnomAD no frequency). This sequence change falls in intron 10 of the CNTN1 gene. It does not directly change the encoded amino acid sequence of the CNTN1 protein.